The following is an entry in ClinVar:

NM_000593.6(TAP1):c.1203C>G (p.Asn401Lys)

Gene: TAP1 (transporter 1, ATP binding cassette subfamily B member; minus strand). Cytogenetic location: 6p21.32.
Variant type: single nucleotide variant.
Coding change: c.1203C>G on transcript NM_000593.6 (MANE Select); coding-DNA position 1203, C replaced by G.
Protein change: p.Asn401Lys; replaces asparagine 401 with lysine.
Molecular consequence: missense variant.
Genome position (GRCh38, 1-based): chr6:32,850,365, G>C on the plus strand (C>G on the coding strand, the complement: TAP1 is on the minus strand). VCF-style: chr6-32850365-G-C. GRCh37 (hg19) VCF-style: chr6-32818142-G-C.
Other names: c.600C>G, p.Asn200Lys (NM_001292022.2); short protein forms N461K, N200K, N401K.
Identifiers: ClinVar variation 534703 (VCV000534703.10), dbSNP rs756823000, ClinGen allele CA3746838.
Genomic context (GRCh38, chr6:32,850,365, plus strand): 5'-TCTTCAGGTGCTCACACTAGTGGTCCAGGAGTTGACTGCATAGGCCACAGCCTCCTTCTG[G>C]TTGAGTGTCTTTATTTCTTGCAGCTTTTCCCTAAACTTCTGGGCTTCGCCCTCCTCGTTG-3'
Protein context (NP_000584.3, residues 391-411): REKLQEIKTL[Asn401Lys]QKEAVAYAVN

ClinVar aggregate classification (germline): Uncertain significance. Review status: criteria provided, multiple submitters, no conflicts (2 of 4 stars). 3 submissions from 3 submitters: Uncertain significance (3). Last evaluated 2025-04-04.

Conditions:
Inborn genetic diseases. Identifiers: MedGen C0950123, MeSH D030342.
MHC class I deficiency. Identifiers: Orphanet 34592, MedGen C6024714, MONDO:0011476.

Allele frequency attached by ClinVar (database versions not stated): gnomAD exomes 0.00001; ExAC 0.00001; gnomAD 0.00003 and 0.00002; TOPMed 0.00002.
gnomAD v4.1: 40 of 1,614,134 alleles (0.0025%); highest among the groups gnomAD compares: Non-Finnish European, 0.0032%; no homozygotes.

Submissions (3):

Ambry Genetics
Classification: Uncertain significance for Inborn genetic diseases. Last evaluated: 2025-04-04. Review status: criteria provided, single submitter. Criteria: Ambry Variant Classification Scheme 2023. Collection method: clinical testing. Allele origin: germline.

Labcorp Genetics (formerly Invitae), Labcorp
Classification: Uncertain significance for MHC class I deficiency 1. Last evaluated: 2021-09-26. Review status: criteria provided, single submitter. Criteria: Invitae Variant Classification Sherloc (09022015). Collection method: clinical testing. Allele origin: germline.
Comment: In summary, the available evidence is currently insufficient to determine the role of this variant in disease. Therefore, it has been classified as a Variant of Uncertain Significance. Algorithms developed to predict the effect of missense changes on protein structure and function are either unavailable or do not agree on the potential impact of this missense change (SIFT: "Deleterious"; PolyPhen-2: "Probably Damaging"; Align-GVGD: "Class C0"). This variant has not been reported in the literature in individuals affected with TAP1-related conditions. This variant is present in population databases (rs756823000, ExAC 0.001%). This sequence change replaces asparagine with lysine at codon 461 of the TAP1 protein (p.Asn461Lys). The asparagine residue is moderately conserved and there is a moderate physicochemical difference between asparagine and lysine.

Center for Genomics, Ann and Robert H. Lurie Children's Hospital of Chicago
Classification: Uncertain significance for MHC class I deficiency 1. Last evaluated: 2021-03-30. Review status: criteria provided, single submitter. Criteria: ACMG Guidelines, 2015. Collection method: clinical testing. Allele origin: germline.
Comment: TAP1 NM_000593.5 exon 5 p.Asn461Lys (c.1383C>G): This variant has not been reported in the literature but is present in 0.001% (2/113768) of European alleles in the Genome Aggregation Database. This variant is present in ClinVar (Variation ID:534703). Evolutionary conservation suggests that this variant may not impact the protein; computational predictive tools suggest that this variant may impact the protein. In summary, data on this variant is insufficient for disease classification. Therefore, the clinical significance of this variant is uncertain.